The following is an entry in ClinVar:

ClinVar aggregate classification (germline): Uncertain significance (1 of 4 stars; one submission).

Conditions:
Fanconi anemia (FA). Also called: Fanconi's anemia. Identifiers: Orphanet 84, MedGen C0015625, MeSH D005199, MONDO:0019391.

gnomAD v4.1: 1 of 1,613,690 alleles (0.000062%); highest among the groups gnomAD compares: South Asian, 0.0011%; no homozygotes.

Submission:

Labcorp Genetics (formerly Invitae), Labcorp
Classification: Uncertain significance for Fanconi anemia. Last evaluated: 2022-01-15. Review status: criteria provided, single submitter. Criteria: Invitae Variant Classification Sherloc (09022015). Collection method: clinical testing. Allele origin: germline.
Comment: This variant is not present in population databases (gnomAD no frequency). This sequence change replaces alanine, which is neutral and non-polar, with serine, which is neutral and polar, at codon 1446 of the FANCA protein (p.Ala1446Ser). In summary, the available evidence is currently insufficient to determine the role of this variant in disease. Therefore, it has been classified as a Variant of Uncertain Significance. Advanced modeling of protein sequence and biophysical properties (such as structural, functional, and spatial information, amino acid conservation, physicochemical variation, residue mobility, and thermodynamic stability) performed at Invitae indicates that this missense variant is not expected to disrupt FANCA protein function. This variant has not been reported in the literature in individuals affected with FANCA-related conditions.

NM_000135.4(FANCA):c.4336G>T (p.Ala1446Ser)

Genes: FANCA (FA complementation group A; minus strand), ZNF276 (zinc finger protein 276; plus strand). Cytogenetic location: 16q24.3.
Variant type: single nucleotide variant.
Coding change: c.4336G>T on transcript NM_000135.4 (MANE Select); coding-DNA position 4336, G replaced by T.
Protein change: p.Ala1446Ser; replaces alanine 1446 with serine.
Molecular consequence: missense variant. On other transcripts: 3 prime UTR variant (3), non-coding transcript variant (4).
Genome position (GRCh38, 1-based): chr16:89,738,633, C>A on the plus strand (G>T on the coding strand, the complement: FANCA is on the minus strand). VCF-style: chr16-89738633-C-A. GRCh37 (hg19) VCF-style: chr16-89805041-C-A.
Other names: c.*65G>T (NM_001286167.3); c.*387C>A (NM_001113525.2, NM_152287.4); short protein forms A1446S.
Identifiers: ClinVar variation 2083222 (VCV002083222.4), dbSNP rs772505725, ClinGen allele CA397483016.